The following is an entry in ClinVar:

NM_001267550.2(TTN):c.77789A>C (p.Lys25930Thr)

Genes: TTN (titin; minus strand), TTN-AS1 (TTN antisense RNA 1; plus strand). Cytogenetic location: 2q31.2.
Variant type: single nucleotide variant.
Coding change: c.77789A>C on transcript NM_001267550.2 (MANE Select); coding-DNA position 77789, A replaced by C.
Protein change: p.Lys25930Thr; replaces lysine 25930 with threonine.
Molecular consequence: missense variant.
Genome position (GRCh38, 1-based): chr2:178,568,343, T>G on the plus strand (A>C on the coding strand, the complement: TTN is on the minus strand). VCF-style: chr2-178568343-T-G. GRCh37 (hg19) VCF-style: chr2-179433070-T-G.
Other names: c.70085A>C, p.Lys23362Thr (NM_133378.4); c.72866A>C, p.Lys24289Thr (NM_001256850.1); c.50594A>C, p.Lys16865Thr (NM_003319.4); c.50969A>C, p.Lys16990Thr (NM_133432.3); c.51170A>C, p.Lys17057Thr (NM_133437.4); short protein forms K25930T, K23362T, K16990T, K24289T, K16865T, K17057T.
Identifiers: ClinVar variation 47360 (VCV000047360.5), dbSNP rs397517711, ClinGen allele CA140788.

ClinVar aggregate classification (germline): Uncertain significance (1 of 4 stars; one submission).

Allele frequency attached by ClinVar (database versions not stated): gnomAD exomes below 0.00001.
gnomAD v4.1: 1 of 1,613,416 alleles (0.000062%); highest among the groups gnomAD compares: Non-Finnish European, 0.000085%; no homozygotes.

Submission:

Laboratory for Molecular Medicine, Mass General Brigham Personalized Medicine
Classification: Uncertain significance. Last evaluated: 2012-07-02. Review status: criteria provided, single submitter. Criteria: LMM Criteria. Collection method: clinical testing. Allele origin: germline. Observed: 2 variant alleles.
Comment: The Lys23362Thr variant in TTN has not been reported in the literature nor previ ously identified by our laboratory. In addition, this variant has not been ident ified in large and broad populations by the NHLBI Exome Sequencing Project. This low frequency is consistent with a disease c ausing role but is insufficient to establish this with confidence. Computational analyses (biochemical amino acid properties, conservation, PolyPhen2, and SIFT) suggest that the Lys23362Thr variant may impact the protein, though this inform ation is not predictive enough to determine pathogenicity. Additional informati on is needed to determine the clinical significance of the Lys23362Thr variant.